The following is an entry in ClinVar:

ClinVar aggregate classification (germline): Uncertain significance (1 of 4 stars; one submission).

Conditions:
Hypertrophic cardiomyopathy 12. Identifiers: MedGen C2677491, MONDO:0012804, OMIM 612124.
Dilated cardiomyopathy 1M (CMD1M). Identifiers: Orphanet 154, MedGen C1843808, MONDO:0011840, OMIM 607482.

Submission:

Labcorp Genetics (formerly Invitae), Labcorp
Classification: Uncertain significance for Hypertrophic cardiomyopathy 12; Dilated cardiomyopathy 1M. Last evaluated: 2020-05-13. Review status: criteria provided, single submitter. Criteria: Invitae Variant Classification Sherloc (09022015). Collection method: clinical testing. Allele origin: germline.
Comment: In summary, the available evidence is currently insufficient to determine the role of this variant in disease. Therefore, it has been classified as a Variant of Uncertain Significance. Algorithms developed to predict the effect of missense changes on protein structure and function are either unavailable or do not agree on the potential impact of this missense change (SIFT: "Tolerated"; PolyPhen-2: "Probably Damaging"; Align-GVGD: "Class C0"). This variant has not been reported in the literature in individuals with CSRP3-related conditions. This variant is not present in population databases (ExAC no frequency). This sequence change replaces alanine with serine at codon 51 of the CSRP3 protein (p.Ala51Ser). The alanine residue is highly conserved and there is a moderate physicochemical difference between alanine and serine.

NM_003476.5(CSRP3):c.151G>T (p.Ala51Ser)

Gene: CSRP3 (cysteine and glycine rich protein 3; minus strand). Cytogenetic location: 11p15.1.
Variant type: single nucleotide variant.
Coding change: c.151G>T on transcript NM_003476.5 (MANE Select); coding-DNA position 151, G replaced by T.
Protein change: p.Ala51Ser; replaces alanine 51 with serine.
Molecular consequence: missense variant. On other transcripts: intron variant (1).
Genome position (GRCh38, 1-based): chr11:19,188,266, C>A on the plus strand (G>T on the coding strand, the complement: CSRP3 is on the minus strand). VCF-style: chr11-19188266-C-A. GRCh37 (hg19) VCF-style: chr11-19209813-C-A.
Other names: c.113-1918G>T (NM_001369404.1); short protein forms A51S.
Identifiers: ClinVar variation 1005786 (VCV001005786.9), dbSNP rs1850560688, ClinGen allele CA379888374.